The following is an entry in ClinVar:

NM_000518.5(HBB):c.-121C>T

Genes: HBB (hemoglobin subunit beta; minus strand), LOC106099062 (HBB recombination region; plus strand), LOC107133510 (origin of replication at HBB; plus strand). Cytogenetic location: 11p15.4.
Variant type: single nucleotide variant.
Coding change: c.-121C>T on transcript NM_000518.5 (MANE Select); 121 bases upstream of the start codon, C replaced by T.
Genome position (GRCh38, 1-based): chr11:5,227,142, G>A on the plus strand (C>T on the coding strand, the complement: HBB is on the minus strand). VCF-style: chr11-5227142-G-A. GRCh37 (hg19) VCF-style: chr11-5248372-G-A.
Other names: -71 C>T.
Identifiers: ClinVar variation 801184 (VCV000801184.43), dbSNP rs281864518, ClinGen allele CA217115815.

ClinVar aggregate classification (germline): Pathogenic/Likely pathogenic. Review status: criteria provided, multiple submitters, no conflicts (2 of 4 stars). 6 submissions from 6 submitters: Pathogenic (2); Likely pathogenic (3). 1 of the submissions does not count toward it. Last evaluated 2025-01-10.

Conditions:
beta Thalassemia (BTHAL). Also called: Cooley's anemia; Erythroblastic anemia; Mediterranean anemia. Identifiers: Orphanet 848, MedGen C0005283, MONDO:0019402. Disease mechanism: loss of function.
Beta-thalassemia HBB/LCRB. Identifiers: MedGen CN322236, MONDO:0013517, OMIM 613985.

Submissions (6):

First Genomix Gene Laboratory, Genetic Diagnostics Department
Classification: Pathogenic for Beta-thalassemia HBB/LCRB. Last evaluated: 2025-01-10. Review status: criteria provided, single submitter. Criteria: ACMG Guidelines, 2015. Collection method: clinical testing. Allele origin: germline. Inheritance: Autosomal recessive inheritance. Affected: no. Observed: 1 variant allele.

Women's Health and Genetics/Laboratory Corporation of America, LabCorp
Classification: Pathogenic for beta Thalassemia. Last evaluated: 2024-06-13. Review status: criteria provided, single submitter. Criteria: LabCorp Variant Classification Summary - May 2015. Collection method: clinical testing. Allele origin: germline.
Comment: Variant summary: HBB c.-121C>T is located in the untranscribed promoter region upstream of the HBB gene. The variant was absent in 31398 control chromosomes. c.-121C>T (also reported as legacy name c.-71C>T) has been reported in the literature in at least one individual affected with Beta Thalassemia Intermedia (e.g. Verma_2007, Akbari_2008) and has also been reported as associated with borderline HbA2 levels in heterozygous carriers (e.g. Al Zadajali_2011, Al Moamen_2013). In addition, there are multiple citations of this variant in trans with the sickle cell allele (HBB: c.20A>T), resulting in almost equal levels of HbA and HbS which is distinct from carriers of either this variant or the sickle cell allele in isolation (e.g. Al Zadajazi_2011, Al Moamen_2013). These data indicate that the variant is likely to be associated with disease. Several publications report in-vitro experimental evidence evaluating an impact on protein function, indicating that promoter activity is reduced in cells with the variant compared to wild-type (e.g. Pirastru_2017, Kirchner_2019). The following publications have been ascertained in the context of this evaluation (PMID: 18932071, 23586372, 21801233, 25016698, 21423179, 25677748, 31395865, 28503568, 17994378). ClinVar contains an entry for this variant (Variation ID: 801184). Based on the evidence outlined above, the variant was classified as pathogenic.

Laboratory for Molecular Medicine, Mass General Brigham Personalized Medicine
Classification: Likely pathogenic for beta Thalassemia. Last evaluated: 2022-11-03. Review status: criteria provided, single submitter. Criteria: ACMG Guidelines, 2015. Collection method: clinical testing. Allele origin: germline.
Comment: The c.-121C>T variant in HBB (also known as c.-71C>T) has been reported in at least 1 individual affected with Beta Thalassemia Intermedia; it has also been reproted in trans with the sickle cell variant suggesting it is a mild b-thalassemic allele and also associated with borderline HbA2 levels in heterozygous carriers (selected publications: Verma 2007 PMID: 17994378, Akbari 2008 PMID: 18932071, Al Zadajali 2011 PMID: 21801233,, Al Moamen 2013 PMID: 23586372). It has been reported in ClinVar (Variation ID: 801184) and was absent from lage population studies. This variant occurs in the beta-globin promoter. In summary, although additional studies are required to fully establish its clinical significance, this variant meets criteria to be classified as likely pathogenic for autosomal recessive beta thalassemia. ACMG/AMP Criteria applied: PM2_supporting, PM3_Very Strong.

CeGaT Center for Human Genetics Tuebingen
Classification: Likely pathogenic. Last evaluated: 2021-12-01. Review status: criteria provided, single submitter. Criteria: CeGaT Center For Human Genetics Tuebingen Variant Classification Criteria Version 2. Collection method: clinical testing. Allele origin: germline. Affected: yes. Observed: 1 variant allele.

Quest Diagnostics Nichols Institute San Juan Capistrano
Classification: Likely pathogenic. Last evaluated: 2019-03-15. Review status: criteria provided, single submitter. Criteria: Quest Diagnostics criteria. Collection method: clinical testing. Allele origin: germline.
Comment: Not found in the total gnomAD dataset, and the data is high quality (0/280600 chr). Statistically enriched in patients compared to ethnically matched controls. Found in at least one symptomatic patient. Nucleotide conservation is uninformative.

The ITHANET community portal, The Cyprus Institute of Neurology and Genetics
Classification: Pathogenic for beta Thalassemia. Last evaluated: 2019-11-25. Review status: no assertion criteria provided. Collection method: curation. Allele origin: germline. Not counted in ClinVar's aggregate classification.

Literature cited by the submitters: PubMed 21423179 (cited by Women's Health and Genetics/Laboratory Corporation of America, LabCorp and Quest Diagnostics Nichols Institute San Juan Capistrano); PubMed 17994378 (cited by Women's Health and Genetics/Laboratory Corporation of America, LabCorp); PubMed 25016698 (cited by Women's Health and Genetics/Laboratory Corporation of America, LabCorp and Quest Diagnostics Nichols Institute San Juan Capistrano); PubMed 21801233 (cited by 3 submitters); PubMed 25677748 (cited by Women's Health and Genetics/Laboratory Corporation of America, LabCorp and Quest Diagnostics Nichols Institute San Juan Capistrano); PubMed 18932071 (cited by Women's Health and Genetics/Laboratory Corporation of America, LabCorp); PubMed 23586372 (cited by Women's Health and Genetics/Laboratory Corporation of America, LabCorp); PubMed 31395865 (cited by Women's Health and Genetics/Laboratory Corporation of America, LabCorp); PubMed 28503568 (cited by Women's Health and Genetics/Laboratory Corporation of America, LabCorp and Quest Diagnostics Nichols Institute San Juan Capistrano); PubMed 26202972 (cited by Quest Diagnostics Nichols Institute San Juan Capistrano); PubMed 26635043 (cited by Quest Diagnostics Nichols Institute San Juan Capistrano); PubMed 26594346 (cited by Quest Diagnostics Nichols Institute San Juan Capistrano).